The following is an entry in ClinVar:

ClinVar aggregate classification (germline): Uncertain significance (1 of 4 stars; one submission).

Conditions:
Congenital insensitivity to pain-hypohidrosis syndrome. Also called: Neuropathy, hereditary sensory and autonomic, type VIII; HSAN VIII. Identifiers: Orphanet 478664, MedGen C4225308, MONDO:0014662, OMIM 616488.

Submission:

Labcorp Genetics (formerly Invitae), Labcorp
Classification: Uncertain significance for Congenital insensitivity to pain-hypohidrosis syndrome. Last evaluated: 2022-09-19. Review status: criteria provided, single submitter. Criteria: Invitae Variant Classification Sherloc (09022015). Collection method: clinical testing. Allele origin: germline.
Comment: In summary, the available evidence is currently insufficient to determine the role of this variant in disease. Therefore, it has been classified as a Variant of Uncertain Significance. Algorithms developed to predict the effect of missense changes on protein structure and function are either unavailable or do not agree on the potential impact of this missense change (SIFT: "Tolerated"; PolyPhen-2: "Probably Damaging"; Align-GVGD: "Class C0"). This variant has not been reported in the literature in individuals affected with PRDM12-related conditions. This variant is not present in population databases (gnomAD no frequency). This sequence change replaces leucine, which is neutral and non-polar, with phenylalanine, which is neutral and non-polar, at codon 6 of the PRDM12 protein (p.Leu6Phe).

NM_021619.3(PRDM12):c.16C>T (p.Leu6Phe)

Gene: PRDM12 (PR/SET domain 12; plus strand). Cytogenetic location: 9q34.12.
Variant type: single nucleotide variant.
Coding change: c.16C>T on transcript NM_021619.3 (MANE Select); coding-DNA position 16, C replaced by T.
Protein change: p.Leu6Phe; replaces leucine 6 with phenylalanine.
Molecular consequence: missense variant.
Genome position (GRCh38, 1-based): chr9:130,664,669, C>T. VCF-style: chr9-130664669-C-T. GRCh37 (hg19) VCF-style: chr9-133540056-C-T.
Other names: short protein forms L6F.
Identifiers: ClinVar variation 2046277 (VCV002046277.4), dbSNP rs570756044, ClinGen allele CA375245404.
Genomic context (GRCh38, chr9:130,664,669, plus strand): 5'-CGTCGGCCCGGCCGTCCCCCGGCGCCGGGGAGCTCCGGGCCGCCCATGATGGGCTCCGTG[C>T]TCCCGGCTGAGGCCCTGGTGCTCAAGACCGGGCTGAAGGCGCCGGGACTGGCGCTGGCCG-3'
Protein context (NP_067632.2, residues 1-16): MMGSV[Leu6Phe]PAEALVLKTG